The following is an entry in ClinVar:

NM_015506.3(MMACHC):c.643T>C (p.Tyr215His)

Genes: MMACHC (metabolism of cobalamin associated C; plus strand), LOC129930446 (ATAC-STARR-seq lymphoblastoid active region 972; plus strand). Cytogenetic location: 1p34.1.
Variant type: single nucleotide variant.
Coding change: c.643T>C on transcript NM_015506.3 (MANE Select); coding-DNA position 643, T replaced by C.
Protein change: p.Tyr215His; replaces tyrosine 215 with histidine.
Molecular consequence: missense variant.
Genome position (GRCh38, 1-based): chr1:45,509,009, T>C. VCF-style: chr1-45509009-T-C. GRCh37 (hg19) VCF-style: chr1-45974681-T-C.
Other names: c.472T>C, p.Tyr158His (NM_001330540.2); short protein forms Y158H, Y215H.
Identifiers: ClinVar variation 1023220 (VCV001023220.11), dbSNP rs755843695, ClinGen allele CA827820.

ClinVar aggregate classification (germline): Pathogenic. Review status: criteria provided, single submitter (1 of 4 stars). 2 submissions from 2 submitters: Pathogenic (1). 1 of the submissions does not count toward it. Last evaluated 2023-10-14.

Conditions:
Cobalamin C disease. Also called: Cobalamin-C methylmalonic acidemia and homocystinuria; Methylmalonic acidemia and homocystinuria cblC type; Methylmalonic aciduria with homocystinuria cblC type; methylmalonic aciduria and homocystinuria type cblC; Methylmalonic aciduria and homocystinuria, Vitamin B12-responsive; Vitamin B12 metabolic defect with combined deficiency of methylmalonyl-CoA mutase and homocysteine:methyltetrahydrofolate methyltransferase. Identifiers: Orphanet 26, Orphanet 79282, MedGen C1848561, MONDO:0010184, OMIM 277400.

Allele frequency attached by ClinVar (database versions not stated): ExAC 0.00001; gnomAD exomes 0.00002.
gnomAD v4.1: 30 of 1,614,164 alleles (0.0019%); highest among the groups gnomAD compares: East Asian, 0.02%; no homozygotes.

Submissions (2):

Labcorp Genetics (formerly Invitae), Labcorp
Classification: Pathogenic for Cobalamin C disease. Last evaluated: 2023-10-14. Review status: criteria provided, single submitter. Criteria: Invitae Variant Classification Sherloc (09022015). Collection method: clinical testing. Allele origin: germline.
Comment: This sequence change replaces tyrosine, which is neutral and polar, with histidine, which is basic and polar, at codon 215 of the MMACHC protein (p.Tyr215His). This variant is not present in population databases (gnomAD no frequency). This missense change has been observed in individual(s) with clinical features of cobalamin C deficiency (Invitae). In at least one individual the data is consistent with being in trans (on the opposite chromosome) from a pathogenic variant. ClinVar contains an entry for this variant (Variation ID: 1023220). Advanced modeling of protein sequence and biophysical properties (such as structural, functional, and spatial information, amino acid conservation, physicochemical variation, residue mobility, and thermodynamic stability) has been performed at Invitae for this missense variant, however the output from this modeling did not meet the statistical confidence thresholds required to predict the impact of this variant on MMACHC protein function. For these reasons, this variant has been classified as Pathogenic.

Natera, Inc.
Classification: Uncertain significance for Methylmalonic aciduria and homocystinuria cblC type. Last evaluated: 2018-11-01. Review status: no assertion criteria provided. Collection method: clinical testing. Allele origin: germline. Not counted in ClinVar's aggregate classification.